The following is an entry in ClinVar:

ClinVar aggregate classification (germline): Uncertain significance (1 of 4 stars; one submission).

Conditions:
Hereditary hyperferritinemia with congenital cataracts. Also called: Hereditary hyperferritinemia cataract syndrome; Bonneau-Beaumont syndrome; HYPERFERRITINEMIA WITH OR WITHOUT CATARACT. Identifiers: Orphanet 163, MedGen C1833213, MONDO:0010952, OMIM 600886.
Neuroferritinopathy (NBIA3). Also called: NEURODEGENERATION WITH BRAIN IRON ACCUMULATION 3; BASAL GANGLIA DISEASE, ADULT-ONSET. Identifiers: Orphanet 157846, MedGen C1853578, MONDO:0011638, OMIM 606159.

Submission:

Labcorp Genetics (formerly Invitae), Labcorp
Classification: Uncertain significance for Neuroferritinopathy; Hereditary hyperferritinemia with congenital cataracts. Last evaluated: 2022-11-01. Review status: criteria provided, single submitter. Criteria: Invitae Variant Classification Sherloc (09022015). Collection method: clinical testing. Allele origin: germline.
Comment: This variant occurs in a non-coding region of the FTL gene. It does not change the encoded amino acid sequence of the FTL protein. This variant is not present in population databases (gnomAD no frequency). This variant has not been reported in the literature in individuals affected with FTL-related conditions. ClinVar contains an entry for this variant (Variation ID: 1384520). Experimental studies and prediction algorithms are not available or were not evaluated, and the functional significance of this variant is currently unknown. In summary, the available evidence is currently insufficient to determine the role of this variant in disease. Therefore, it has been classified as a Variant of Uncertain Significance.

NM_000146.4(FTL):c.-51dup

Gene: FTL (ferritin light chain; plus strand). Cytogenetic location: 19q13.33.
Variant type: Duplication.
Coding change: c.-51dup on transcript NM_000146.4 (MANE Select); 51 bases upstream of the start codon, one base duplicated (T; older notation c.-51dupT).
Molecular consequence: 5 prime UTR variant.
Genome position (GRCh38, 1-based): chr19:48,965,457, T duplicated. VCF-style (leftmost placement, unchanged base first): chr19-48965456-C-CT. GRCh37 (hg19) VCF-style: chr19-49468713-C-CT.
Identifiers: ClinVar variation 1384520 (VCV001384520.6), dbSNP rs2122430255, ClinGen allele CA2573156632.
Genomic context (GRCh38, chr19:48,965,456, plus strand): 5'-CCCTCCGATTTCCTCTCCGCTTGCAACCTCCGGGACCATCTTCTCGGCCATCTCCTGCTT[C>CT]TGGGACCTGCCAGCACCGTTTTTGTGGTTAGCTCCTTCTTGCCAACCAACCATGAGCTCC-3'